The following is an entry in ClinVar:

NM_000875.5(IGF1R):c.2635T>C (p.Cys879Arg)

Gene: IGF1R (insulin like growth factor 1 receptor; plus strand). Cytogenetic location: 15q26.3.
Variant type: single nucleotide variant.
Coding change: c.2635T>C on transcript NM_000875.5 (MANE Select); coding-DNA position 2635, T replaced by C.
Protein change: p.Cys879Arg; replaces cysteine 879 with arginine.
Molecular consequence: missense variant.
Genome position (GRCh38, 1-based): chr15:98,924,537, T>C. VCF-style: chr15-98924537-T-C. GRCh37 (hg19) VCF-style: chr15-99467766-T-C.
Other names: c.2635T>C, p.Cys879Arg (NM_001291858.2); short protein forms C879R.
Identifiers: ClinVar variation 5037190 (VCV005037190.1).

ClinVar aggregate classification (germline): Uncertain significance (1 of 4 stars; one submission).

Submission:

GeneDx
Classification: Uncertain significance. Last evaluated: 2026-04-14. Review status: criteria provided, single submitter. Criteria: GeneDx Variant Classification Process June 2021. Collection method: clinical testing. Allele origin: germline.
Comment: Not observed at significant frequency in large population cohorts (gnomAD); In silico analysis supports that this missense variant has a deleterious effect on protein structure/function; Has not been previously published as pathogenic or benign to our knowledge